The following is an entry in ClinVar:

ClinVar aggregate classification (germline): Uncertain significance. Review status: reviewed by expert panel (3 of 4 stars). 11 submissions from 11 submitters: Uncertain significance (1). 10 of the submissions do not count toward it. Last evaluated 2026-11-22.

Conditions:
VHL-related disorder. Also called: VHL-related condition.
Chuvash polycythemia. Also called: POLYCYTHEMIA, VHL-DEPENDENT. Identifiers: Orphanet 238557, MedGen C1837915, MONDO:0009892, OMIM 263400.
Von Hippel-Lindau syndrome (VHLS). Also called: VHL syndrome; Von Hippel-Lindau; von Hippel–Lindau syndrome. Identifiers: Orphanet 892, MedGen C0019562, MONDO:0008667, OMIM 193300. Disease mechanism: loss of function.
Pheochromocytoma. Also called: MAX-Related Hereditary Paraganglioma-Pheochromocytoma Syndrome. Identifiers: Orphanet 29072, MedGen C0031511, MONDO:0008233, OMIM 171300, HP:0002666.
Nonpapillary renal cell carcinoma. Identifiers: Orphanet 422526, MedGen CN074294, MONDO:0007763, OMIM 144700.
Hereditary cancer-predisposing syndrome. Also called: Hereditary Cancer Syndrome; Tumor predisposition; Neoplastic Syndromes, Hereditary; Hereditary neoplastic syndrome. Identifiers: Orphanet 140162, MedGen C0027672, MeSH D009386, MONDO:0015356.

Allele frequency attached by ClinVar (database versions not stated): gnomAD exomes below 0.00001 and 0.00003; TOPMed 0.00001; ExAC 0.00001; gnomAD 0.00001.
gnomAD v4.1: 39 of 1,600,680 alleles (0.0024%); highest among the groups gnomAD compares: Non-Finnish European, 0.0032%; no homozygotes.

Submissions (11):

ClinGen VHL Variant Curation Expert Panel, ClinGen
Classification: Uncertain significance for Von Hippel-Lindau syndrome. Last evaluated: 2026-11-22. Review status: reviewed by expert panel. Criteria: ClinGen VHL ACMG Specifications VHL V1.1.0. Collection method: curation. Allele origin: germline. Inheritance: Autosomal dominant inheritance.
Comment: NM_000551.4(VHL):c.275A>T variant in VHL is a missense variant predicted to cause substitution of aspartic acid by valine at amino acid 92 (p.Asp92Val). This variant has been reported in 2 probands (PMIDs: 31368132) with consistent and non-specific VHL phenotypes (PS4_Supporting). Its position 92 resides in β-domain (HIF-α binding), can also be applied for code-altering variants in key functional domains including the beta domain (63-155) which contains the Nuclear Export domain (114-155) (PM1). The GroupMax Filtering Allele Frequency (95% CI) in gnomAD v4.1.0 is 0.00002395 (39/1600680 alleles), in European (non-Finnish) population, which is higher than the ClinGen VHL VCEP threshold (>=0.0000156) for BS1 (BS1). In summary, due to insufficient evidence, this variant meets the criteria to be classified as a Variant of Uncertain Significance for autosomal-dominant von Hippel-Lindau disease (VHL disease) based on the ACMG/AMP criteria applied, as specified by the ClinGen VHL VCEP Version 1.1.0 (Specifications approval date: 01/10/2025). Variant Approval Date 11/22/2026.

Women's Health and Genetics/Laboratory Corporation of America, LabCorp
Classification: Uncertain significance. Last evaluated: 2026-05-29. Review status: criteria provided, single submitter. Criteria: LabCorp Variant Classification Summary - May 2015. Collection method: clinical testing. Allele origin: germline. Not counted in ClinVar's aggregate classification.
Comment: Variant summary: VHL c.275A>T (p.Asp92Val) results in a non-conservative amino acid change in the encoded protein sequence. Algorithms developed to predict the effect of missense changes on protein structure and function all suggest that this variant is likely to be disruptive. The variant allele was found at a frequency of 4.5e-06 in 223138 control chromosomes. The available data on variant occurrences in the general population are insufficient to allow any conclusion about variant significance. c.275A>T has been observed in individual(s) affected with VHL-related conditions, without strong evidence for causality (Salama_2019). These report(s) do not provide unequivocal conclusions about association of the variant with disease. To our knowledge, no experimental evidence demonstrating an impact on protein function has been reported. The following publication has been ascertained in the context of this evaluation (PMID: 31368132). ClinVar contains an entry for this variant (Variation ID: 184664). Based on the evidence outlined above, the variant was classified as uncertain significance.

Labcorp Genetics (formerly Invitae), Labcorp
Classification: Uncertain significance for Von Hippel-Lindau syndrome; Chuvash polycythemia. Last evaluated: 2025-11-24. Review status: criteria provided, single submitter. Criteria: Invitae Variant Classification Sherloc (09022015). Collection method: clinical testing. Allele origin: germline. Not counted in ClinVar's aggregate classification.
Comment: This sequence change replaces aspartic acid, which is acidic and polar, with valine, which is neutral and non-polar, at codon 92 of the VHL protein (p.Asp92Val). This variant is present in population databases (rs749091984, gnomAD 0.001%). This missense change has been observed in individual(s) with clinical features of von Hippel-Lindau (VHL) syndrome (PMID: 31368132). ClinVar contains an entry for this variant (Variation ID: 184664). Invitae Evidence Modeling of protein sequence and biophysical properties (such as structural, functional, and spatial information, amino acid conservation, physicochemical variation, residue mobility, and thermodynamic stability) indicates that this missense variant is expected to disrupt VHL protein function with a positive predictive value of 80%. In summary, the available evidence is currently insufficient to determine the role of this variant in disease. Therefore, it has been classified as a Variant of Uncertain Significance.

Ambry Genetics
Classification: Likely benign for Hereditary cancer-predisposing syndrome. Last evaluated: 2025-01-16. Review status: criteria provided, single submitter. Criteria: Ambry Variant Classification Scheme 2023. Collection method: clinical testing. Allele origin: germline. Not counted in ClinVar's aggregate classification.

GeneDx
Classification: Uncertain significance. Last evaluated: 2024-11-12. Review status: criteria provided, single submitter. Criteria: GeneDx Variant Classification Process June 2021. Collection method: clinical testing. Allele origin: germline. Not counted in ClinVar's aggregate classification.
Comment: Not observed at a significant frequency in large population cohorts (gnomAD); In silico analysis, which includes protein predictors and evolutionary conservation, supports a deleterious effect; Observed in individuals with pheochromocytoma/paraganglioma and unspecified central nervous system tumor (PMID: 31368132); This variant is associated with the following publications: (PMID: 20351605, 31368132)

All of Us Research Program, National Institutes of Health
Classification: Uncertain significance for Von Hippel-Lindau syndrome. Last evaluated: 2024-07-20. Review status: criteria provided, single submitter. Criteria: ACMG Guidelines, 2015. Collection method: clinical testing. Allele origin: germline. Inheritance: Autosomal dominant inheritance. Observed: 8 variant alleles, 8 heterozygotes. Not counted in ClinVar's aggregate classification.
Comment: This missense variant replaces aspartic acid with valine at codon 92 of the VHL protein. Computational prediction is inconclusive regarding the impact of this variant on protein structure and function (internally defined REVEL score threshold 0.5 < inconclusive < 0.7, PMID: 27666373). To our knowledge, functional studies have not been reported for this variant. This variant has been reported in two individuals affected with VHL-associated cancer or who have a VHL diagnosis (PMID: 31368132). This variant has been identified in 1/223138 chromosomes in the general population by the Genome Aggregation Database (gnomAD). The available evidence is insufficient to determine the role of this variant in disease conclusively. Therefore, this variant is classified as a Variant of Uncertain Significance.

This study involves interpretation of variants in research participants for the purpose of population health screening. Participant phenotype was not available at the time of variant classification. Additional details can be found in publication PMID: 35346344, PMCID: PMC8962531

Color Diagnostics, LLC DBA Color Health
Classification: Uncertain significance for Von Hippel-Lindau syndrome. Last evaluated: 2024-02-06. Review status: criteria provided, single submitter. Criteria: ACMG Guidelines, 2015. Collection method: clinical testing. Allele origin: germline. Not counted in ClinVar's aggregate classification.
Comment: This missense variant replaces aspartic acid with valine at codon 92 of the VHL protein. Computational prediction is inconclusive regarding the impact of this variant on protein structure and function (internally defined REVEL score threshold 0.5 < inconclusive < 0.7, PMID: 27666373). To our knowledge, functional studies have not been reported for this variant. This variant has been reported in two individuals with clinical features of von Hippel-Lindau disease (PMID: 31368132). This variant has been identified in 1/223138 chromosomes in the general population by the Genome Aggregation Database (gnomAD). The available evidence is insufficient to determine the role of this variant in disease conclusively. Therefore, this variant is classified as a Variant of Uncertain Significance.

Baylor Genetics
Classification: Uncertain significance for Chuvash polycythemia. Last evaluated: 2023-08-23. Review status: criteria provided, single submitter. Criteria: ACMG Guidelines, 2015. Collection method: clinical testing. Allele origin: unknown. Not counted in ClinVar's aggregate classification.

PreventionGenetics, part of Exact Sciences
Classification: Uncertain significance for VHL-related condition. Last evaluated: 2023-07-18. Review status: criteria provided, single submitter. Criteria: ACMG Guidelines, 2015. Collection method: clinical testing. Allele origin: germline. Not counted in ClinVar's aggregate classification.
Comment: The VHL c.275A>T variant is predicted to result in the amino acid substitution p.Asp92Val. This variant was reported in two individuals with Von Hippel-Lindau syndrome (Table S1, Salama et al. 2019. PubMed ID: 31368132). This variant is reported in 1 of ~223,000 alleles in gnomAD. It is interpreted as uncertain significance in ClinVar. An alternate nucleotide affecting the same amino acid (p.Asp92Gly) has been reported in an individual with Von Hippel-Lindau syndrome (Codreanu et al. 2010. PubMed ID: 20351605). At this time, the clinical significance of the c.275A>T (p.Asp92Val) variant is uncertain due to the absence of conclusive functional and genetic evidence.

Fulgent Genetics
Classification: Uncertain significance for Nonpapillary renal cell carcinoma; Pheochromocytoma; Von Hippel-Lindau syndrome; Chuvash polycythemia. Last evaluated: 2022-01-08. Review status: criteria provided, single submitter. Criteria: ACMG Guidelines, 2015. Collection method: clinical testing. Allele origin: unknown. Not counted in ClinVar's aggregate classification.

Counsyl
Classification: Uncertain significance for Von Hippel-Lindau syndrome. Last evaluated: 2016-03-31. Review status: no assertion criteria provided. Collection method: clinical testing. Allele origin: unknown. Not counted in ClinVar's aggregate classification.

Literature cited by the submitters: PubMed 31368132 (cited by 4 submitters); PubMed 20351605 (cited by Ambry Genetics); PubMed 38969834 (cited by Ambry Genetics).

NM_000551.4(VHL):c.275A>T (p.Asp92Val)

Gene: VHL (von Hippel-Lindau tumor suppressor; plus strand). Cytogenetic location: 3p25.3.
Variant type: single nucleotide variant.
Coding change: c.275A>T on transcript NM_000551.4 (MANE Select); coding-DNA position 275, A replaced by T.
Protein change: p.Asp92Val; replaces aspartic acid 92 with valine.
Molecular consequence: missense variant.
Genome position (GRCh38, 1-based): chr3:10,142,122, A>T. VCF-style: chr3-10142122-A-T. GRCh37 (hg19) VCF-style: chr3-10183806-A-T.
Other names: NM_000551.4(VHL):c.275A>T; p.Asp92Val; c.275A>T, p.Asp92Val (NM_001354723.2, NM_198156.3); short protein forms D92V.
Identifiers: ClinVar variation 184664 (VCV000184664.29), dbSNP rs749091984, ClinGen allele CA020224.